The following is an entry in ClinVar:

ClinVar aggregate classification (germline): Uncertain significance (1 of 4 stars; one submission).

Submission:

Labcorp Genetics (formerly Invitae), Labcorp
Classification: Uncertain significance. Last evaluated: 2023-08-27. Review status: criteria provided, single submitter. Criteria: Invitae Variant Classification Sherloc (09022015). Collection method: clinical testing. Allele origin: germline.
Comment: In summary, the available evidence is currently insufficient to determine the role of this variant in disease. Therefore, it has been classified as a Variant of Uncertain Significance. Experimental studies and prediction algorithms are not available or were not evaluated, and the functional significance of this variant is currently unknown. This variant has not been reported in the literature in individuals affected with COL2A1-related conditions. This variant is not present in population databases (gnomAD no frequency). This sequence change replaces histidine, which is basic and polar, with leucine, which is neutral and non-polar, at codon 1358 of the COL2A1 protein (p.His1358Leu).

NM_001844.5(COL2A1):c.4073A>T (p.His1358Leu)

Gene: COL2A1 (collagen type II alpha 1 chain; minus strand). Cytogenetic location: 12q13.11.
Variant type: single nucleotide variant.
Coding change: c.4073A>T on transcript NM_001844.5 (MANE Select); coding-DNA position 4073, A replaced by T.
Protein change: p.His1358Leu; replaces histidine 1358 with leucine.
Molecular consequence: missense variant.
Genome position (GRCh38, 1-based): chr12:47,974,676, T>A on the plus strand (A>T on the coding strand, the complement: COL2A1 is on the minus strand). VCF-style: chr12-47974676-T-A. GRCh37 (hg19) VCF-style: chr12-48368459-T-A.
Other names: c.3866A>T, p.His1289Leu (NM_033150.3); short protein forms H1358L, H1289L.
Identifiers: ClinVar variation 2851783 (VCV002851783.3), dbSNP rs749485192, ClinGen allele CA384535274.
Genomic context (GRCh38, chr12:47,974,676, plus strand): 5'-GAAAAGAAAGAGTTTGAGGAGCCATCTCTGCTCATCATCTAGGGCACCCAGGTACTCACA[T>A]GGAAGCCACCATTGATGGTTTCTCCAAACCAGATGTGTTTCTTCTCCTTGCTCTTGCTGC-3'
Protein context (NP_001835.3, residues 1348-1368): WFGETINGGF[His1358Leu]FSYGDDNLAP